The following is an entry in ClinVar:

ClinVar aggregate classification (germline): Uncertain significance. Review status: criteria provided, multiple submitters, no conflicts (2 of 4 stars). 2 submissions from 2 submitters: Uncertain significance (2). Last evaluated 2025-05-14.

Conditions:
Hereditary cancer-predisposing syndrome. Also called: Neoplastic Syndromes, Hereditary; Hereditary Cancer Syndrome; Hereditary neoplastic syndrome; Tumor predisposition. Identifiers: Orphanet 140162, MedGen C0027672, MeSH D009386, MONDO:0015356.
Neuroblastoma, susceptibility to, 3. Also called: ALK-Related Neuroblastic Tumor Susceptibility. Identifiers: Orphanet 635, MedGen C2751681, MONDO:0013083, OMIM 613014.

Submissions (2):

Ambry Genetics
Classification: Uncertain significance for Hereditary cancer-predisposing syndrome. Last evaluated: 2025-05-14. Review status: criteria provided, single submitter. Criteria: Ambry Variant Classification Scheme 2023. Collection method: clinical testing. Allele origin: germline.
Comment: The p.D1163H variant (also known as c.3487G>C), located in coding exon 22 of the ALK gene, results from a G to C substitution at nucleotide position 3487. The aspartic acid at codon 1163 is replaced by histidine, an amino acid with similar properties. This amino acid position is highly conserved in available vertebrate species. In addition, this alteration is predicted to be deleterious by in silico analysis. Based on the available evidence, the clinical significance of this variant remains unclear.

Labcorp Genetics (formerly Invitae), Labcorp
Classification: Uncertain significance for Neuroblastoma, susceptibility to, 3. Last evaluated: 2023-10-22. Review status: criteria provided, single submitter. Criteria: Invitae Variant Classification Sherloc (09022015). Collection method: clinical testing. Allele origin: germline.
Comment: This sequence change replaces aspartic acid, which is acidic and polar, with histidine, which is basic and polar, at codon 1163 of the ALK protein (p.Asp1163His). This variant is not present in population databases (gnomAD no frequency). This variant has not been reported in the literature in individuals affected with ALK-related conditions. ClinVar contains an entry for this variant (Variation ID: 823830). An algorithm developed to predict the effect of missense changes on protein structure and function (PolyPhen-2) suggests that this variant is likely to be disruptive. In summary, the available evidence is currently insufficient to determine the role of this variant in disease. Therefore, it has been classified as a Variant of Uncertain Significance.

NM_004304.5(ALK):c.3487G>C (p.Asp1163His)

Gene: ALK (ALK receptor tyrosine kinase; minus strand). Cytogenetic location: 2p23.2.
Variant type: single nucleotide variant.
Coding change: c.3487G>C on transcript NM_004304.5 (MANE Select); coding-DNA position 3487, G replaced by C.
Protein change: p.Asp1163His; replaces aspartic acid 1163 with histidine.
Molecular consequence: missense variant.
Genome position (GRCh38, 1-based): chr2:29,222,372, C>G on the plus strand (G>C on the coding strand, the complement: ALK is on the minus strand). VCF-style: chr2-29222372-C-G. GRCh37 (hg19) VCF-style: chr2-29445238-C-G.
Other names: c.283G>C, p.Asp95His (NM_001353765.2); short protein forms D95H, D1163H.
Identifiers: ClinVar variation 823830 (VCV000823830.13), dbSNP rs753670250, ClinGen allele CA346463074.